The following is an entry in ClinVar:

ClinVar aggregate classification (germline): Uncertain significance (1 of 4 stars; one submission).

Allele frequency attached by ClinVar (database versions not stated): gnomAD exomes below 0.00001; ExAC 0.00001.

Submissions (2):

GeneDx
Classification: Uncertain significance. Last evaluated: 2014-10-09. Review status: criteria provided, single submitter. Criteria: GeneDx Variant Classification (06012015). Collection method: clinical testing. Allele origin: germline. Affected: yes.
Comment: c.-35 G>A in exon 1 of the FOXRED1 gene (NM_017547.3). The c.-35 G>A variant has not been published as a mutation, nor has it been reported as a benign polymorphism to our knowledge. The c.-35 G>A variant creates an alternative ATG codon 35 base pairs upstream from the initiator Methionine codon. In the absence of RNA/functional studies, the actual effect of the c.-35 G>A sequence change is unknown. Therefore, based on the currently available information, it is unclear whether the c.-35 G>A variant is a pathogenic mutation or a rare benign variant. The variant is found in MITONUC-MITOP panel(s).

Seelig Lab, University of Washington
No classification provided (evidence only). Review status: no classification provided. Collection method: in vitro. Allele origin: not applicable. Functional consequence: effect on translation. Not counted in ClinVar's aggregate classification.
ClinVar note: "not provided" was previously submitted as the classification for the variant. However, the classification appeared to be based only on an observation of functional data so it was converted to no classification on 2025-07-30.

NM_017547.4(FOXRED1):c.-35G>A

Gene: FOXRED1 (FAD dependent oxidoreductase domain containing 1; plus strand). Cytogenetic location: 11q24.2.
Variant type: single nucleotide variant.
Coding change: c.-35G>A on transcript NM_017547.4 (MANE Select); 35 bases upstream of the start codon, G replaced by A.
Molecular consequence: 5 prime UTR variant. On other transcripts: non-coding transcript variant (2).
Genome position (GRCh38, 1-based): chr11:126,269,172, G>A. VCF-style: chr11-126269172-G-A. GRCh37 (hg19) VCF-style: chr11-126139067-G-A.
Identifiers: ClinVar variation 214455 (VCV000214455.3), dbSNP rs778239850, ClinGen allele CA322782.
Genomic context (GRCh38, chr11:126,269,172, plus strand): 5'-CGCTCGTCTGAATGGCGTTTGGCGCGGAGCAGTGACGGCTGCGATAATAGCGAGGCAGCA[G>A]TGCAGCTTTCAGAGGGTCCGGGCTCAGAGGGGTTATGATTCGGAGGGTTCTGCCGCACGG-3'